The following is an entry in ClinVar:

NM_031892.3(SH3KBP1):c.1210C>T (p.Arg404Trp)

Gene: SH3KBP1 (SH3 domain containing kinase binding protein 1; minus strand). Cytogenetic location: Xp22.12.
Variant type: single nucleotide variant.
Coding change: c.1210C>T on transcript NM_031892.3 (MANE Select); coding-DNA position 1210, C replaced by T.
Protein change: p.Arg404Trp; replaces arginine 404 with tryptophan.
Molecular consequence: missense variant.
Genome position (GRCh38, 1-based): chrX:19,588,731, G>A on the plus strand (C>T on the coding strand, the complement: SH3KBP1 is on the minus strand). VCF-style: chrX-19588731-G-A. GRCh37 (hg19) VCF-style: chrX-19606849-G-A.
Other names: c.1099C>T, p.Arg367Trp (NM_001024666.3); c.496C>T, p.Arg166Trp (NM_001184960.2, NM_001353897.2); c.1210C>T, p.Arg404Trp (NM_001353890.2); c.1285C>T, p.Arg429Trp (NM_001353891.2, NM_001353892.2); c.1108C>T, p.Arg370Trp (NM_001353893.2, NM_001353894.2); c.1165C>T, p.Arg389Trp (NM_001353895.2); c.1342C>T, p.Arg448Trp (NM_001410756.1, NM_001410757.1); c.1033C>T, p.Arg345Trp (NM_001410758.1); short protein forms R166W, R367W, R389W, R404W, R448W, R345W, R370W, R429W.
Identifiers: ClinVar variation 4740116 (VCV004740116.1).
Genomic context (GRCh38, chrX:19,588,731, plus strand): 5'-TCTCCGGCCTTCTCGGGGGCAGTGCGCCAGGTCTGCTGAGAGAATTGGTCTTAGGTGGCC[G>A]AGGCTTTTTTGGCGGTATGGCAGGAACGGAGGGCTTCTGTAAATCCAGTTTTGGCTCTCT-3'
Protein context (NP_114098.1, residues 394-414): SVPAIPPKKP[Arg404Trp]PPKTNSLSRP

ClinVar aggregate classification (germline): Uncertain significance (1 of 4 stars; one submission).

Submission:

Labcorp Genetics (formerly Invitae), Labcorp
Classification: Uncertain significance. Last evaluated: 2025-07-21. Review status: criteria provided, single submitter. Criteria: Invitae Variant Classification Sherloc (09022015). Collection method: clinical testing. Allele origin: germline.
Comment: This sequence change replaces arginine, which is basic and polar, with tryptophan, which is neutral and slightly polar, at codon 404 of the SH3KBP1 protein (p.Arg404Trp). The frequency data for this variant in the population databases is considered unreliable, as metrics indicate poor data quality at this position in the gnomAD database. This variant has not been reported in the literature in individuals affected with SH3KBP1-related conditions. Invitae Evidence Modeling of protein sequence and biophysical properties (such as structural, functional, and spatial information, amino acid conservation, physicochemical variation, residue mobility, and thermodynamic stability) indicates that this missense variant is not expected to disrupt SH3KBP1 protein function with a negative predictive value of 80%. In summary, the available evidence is currently insufficient to determine the role of this variant in disease. Therefore, it has been classified as a Variant of Uncertain Significance.